The following is an entry in ClinVar:

ClinVar aggregate classification (germline): Likely benign. Review status: criteria provided, multiple submitters, no conflicts (2 of 4 stars). 2 submissions from 2 submitters: Likely benign (2). Last evaluated 2026-01-28.

Conditions:
Acrocallosal syndrome (ACLS). Also called: Schinzel syndrome 1; Absence of corpus callosum with unusual facial appearance, mental deficiency, duplication of the halluces and polydactyly; HALLUX DUPLICATION, POSTAXIAL POLYDACTYLY, AND ABSENCE OF CORPUS CALLOSUM. Identifiers: Orphanet 36, MedGen C0796147, MONDO:0008708, OMIM 200990.

Submissions (2):

Labcorp Genetics (formerly Invitae), Labcorp
Classification: Likely benign for Acrocallosal syndrome. Last evaluated: 2026-01-28. Review status: criteria provided, single submitter. Criteria: Invitae Variant Classification Sherloc (09022015). Collection method: clinical testing. Allele origin: germline.

GeneDx
Classification: Likely benign. Last evaluated: 2020-12-16. Review status: criteria provided, single submitter. Criteria: GeneDx Variant Classification Process June 2021. Collection method: clinical testing. Allele origin: germline. Affected: yes.
Comment: Has not been previously published as pathogenic or benign to our knowledge

NM_198525.3(KIF7):c.2719-28CCCT[9]

Gene: KIF7 (kinesin family member 7; minus strand). Cytogenetic location: 15q26.1.
Variant type: Microsatellite.
Coding change: c.2719-28CCCT[9] on transcript NM_198525.3 (MANE Select); nine copies in a row of the 4-base unit CCCT starting at c.2719-28.
Molecular consequence: intron variant.
Genome position: GRCh38 VCF-style: chr15-89633008-T-TAGGGAGGGAGGGAGGGAGGG. GRCh37 (hg19) VCF-style: chr15-90176239-T-TAGGGAGGGAGGGAGGGAGGG.
Identifiers: ClinVar variation 1108206 (VCV001108206.11), dbSNP rs3840030, ClinGen allele CA619858297.